The following is an entry in ClinVar:

NM_018714.3(COG1):c.1091del (p.Asn364fs)

Genes: COG1 (component of oligomeric golgi complex 1; plus strand), LOC126862634 (CDK7 strongly-dependent group 2 enhancer GRCh37_chr17:71195948-71197147; plus strand). Cytogenetic location: 17q25.1.
Variant type: Deletion.
Coding change: c.1091del on transcript NM_018714.3 (MANE Select); coding-DNA position 1091, one base deleted (A; older notation c.1091delA).
Protein change: p.Asn364fs; shifts the reading frame from asparagine 364.
Molecular consequence: frameshift variant.
Genome position (GRCh38, 1-based): chr17:73,200,586, A deleted; the last of 5 consecutive A bases (chr17:73,200,582-73,200,586); deleting any one gives the same sequence. VCF-style (leftmost placement, unchanged base first): chr17-73200581-TA-T. GRCh37 (hg19) VCF-style: chr17-71196720-TA-T.
Other names: short protein forms N364fs.
Identifiers: ClinVar variation 2805911 (VCV002805911.3), dbSNP rs2511081455, ClinGen allele CA2739265732.

ClinVar aggregate classification (germline): Pathogenic (1 of 4 stars; one submission).

Conditions:
COG1 congenital disorder of glycosylation (CDG2G). Also called: CONGENITAL DISORDER OF GLYCOSYLATION, TYPE IIg; CDG IIg; CDGII/COG1 CEREBROCOSTOMANDIBULAR-LIKE SYNDROME. Identifiers: Orphanet 263508, MedGen C2931011, MONDO:0012637, OMIM 611209.

Submission:

Labcorp Genetics (formerly Invitae), Labcorp
Classification: Pathogenic for COG1 congenital disorder of glycosylation. Last evaluated: 2023-07-21. Review status: criteria provided, single submitter. Criteria: Invitae Variant Classification Sherloc (09022015). Collection method: clinical testing. Allele origin: germline.
Comment: This variant has not been reported in the literature in individuals affected with COG1-related conditions. This variant is not present in population databases (gnomAD no frequency). This sequence change creates a premature translational stop signal (p.Asn364Metfs*10) in the COG1 gene. It is expected to result in an absent or disrupted protein product. Loss-of-function variants in COG1 are known to be pathogenic (PMID: 16537452). For these reasons, this variant has been classified as Pathogenic.

Literature cited by the submitters: PubMed 16537452.